The following is an entry in ClinVar:

NM_153717.3(EVC):c.1448C>T (p.Pro483Leu)

Gene: EVC (EvC ciliary complex subunit 1; plus strand). Cytogenetic location: 4p16.2.
Variant type: single nucleotide variant.
Coding change: c.1448C>T on transcript NM_153717.3 (MANE Select); coding-DNA position 1448, C replaced by T.
Protein change: p.Pro483Leu; replaces proline 483 with leucine.
Molecular consequence: missense variant.
Genome position (GRCh38, 1-based): chr4:5,753,917, C>T. VCF-style: chr4-5753917-C-T. GRCh37 (hg19) VCF-style: chr4-5755644-C-T.
Other names: c.1448C>T, p.Pro483Leu (NM_001306090.2, NM_001306092.2); short protein forms P483L.
Identifiers: ClinVar variation 461813 (VCV000461813.7), dbSNP rs376440801, ClinGen allele CA2836105.

ClinVar aggregate classification (germline): Uncertain significance. Review status: criteria provided, multiple submitters, no conflicts (2 of 4 stars). 3 submissions from 3 submitters: Uncertain significance (2). 1 of the submissions does not count toward it. Last evaluated 2024-08-06.

Conditions:
Inborn genetic diseases. Identifiers: MedGen C0950123, MeSH D030342.
Curry-Hall syndrome (WAD). Also called: WEYERS ACRODENTAL DYSOSTOSIS. Identifiers: Orphanet 952, MedGen C0457013, MONDO:0008673, OMIM 193530.
Ellis-van Creveld syndrome (EVC). Also called: MESOECTODERMAL DYSPLASIA; Chondroectodermal dysplasia; EVC-Related Ellis-van Creveld Syndrome; EVC2-Related Ellis-van Creveld Syndrome. Identifiers: Orphanet 289, MedGen C0013903, MONDO:0009162, OMIM 225500.

Allele frequency attached by ClinVar (database versions not stated): gnomAD 0.00002 and 0.00003; gnomAD exomes 0.00002; TOPMed 0.00003; ExAC 0.00004; ESP Exome Variant Server 0.00008; 1000 Genomes Project 30x 0.00031; 1000 Genomes Project 0.00040.
gnomAD v4.1: 38 of 1,613,374 alleles (0.0024%); highest among the groups gnomAD compares: African/African-American, 0.0093%; no homozygotes.

Submissions (3):

Ambry Genetics
Classification: Uncertain significance for Inborn genetic diseases. Last evaluated: 2024-08-06. Review status: criteria provided, single submitter. Criteria: Ambry Variant Classification Scheme 2023. Collection method: clinical testing. Allele origin: germline.

Labcorp Genetics (formerly Invitae), Labcorp
Classification: Uncertain significance for Curry-Hall syndrome; Ellis-van Creveld syndrome. Last evaluated: 2022-07-12. Review status: criteria provided, single submitter. Criteria: Invitae Variant Classification Sherloc (09022015). Collection method: clinical testing. Allele origin: germline.
Comment: This sequence change replaces proline, which is neutral and non-polar, with leucine, which is neutral and non-polar, at codon 483 of the EVC protein (p.Pro483Leu). This variant is present in population databases (rs376440801, gnomAD 0.01%). This variant has not been reported in the literature in individuals affected with EVC-related conditions. ClinVar contains an entry for this variant (Variation ID: 461813). Algorithms developed to predict the effect of missense changes on protein structure and function are either unavailable or do not agree on the potential impact of this missense change (SIFT: "Tolerated"; PolyPhen-2: "Probably Damaging"; Align-GVGD: "Class C0"). In summary, the available evidence is currently insufficient to determine the role of this variant in disease. Therefore, it has been classified as a Variant of Uncertain Significance.

Natera, Inc.
Classification: Uncertain significance for Ellis-van Creveld syndrome. Last evaluated: 2019-10-28. Review status: no assertion criteria provided. Collection method: clinical testing. Allele origin: germline. Not counted in ClinVar's aggregate classification.